The following is an entry in ClinVar:

NM_006269.2(RP1):c.5254C>A (p.His1752Asn)

Genes: RP1 (RP1 axonemal microtubule associated; plus strand), LOC126860392 (CDK7 strongly-dependent group 2 enhancer GRCh37_chr8:55541319-55542518; plus strand). Cytogenetic location: 8q12.1.
Variant type: single nucleotide variant.
Coding change: c.5254C>A on transcript NM_006269.2 (MANE Select); coding-DNA position 5254, C replaced by A.
Protein change: p.His1752Asn; replaces histidine 1752 with asparagine.
Molecular consequence: missense variant. On other transcripts: intron variant (1).
Genome position (GRCh38, 1-based): chr8:54,629,136, C>A. VCF-style: chr8-54629136-C-A. GRCh37 (hg19) VCF-style: chr8-55541696-C-A.
Other names: c.787+6848C>A (NM_001375654.1); short protein forms H1752N.
Identifiers: ClinVar variation 1510927 (VCV001510927.8), dbSNP rs1257159115, ClinGen allele CA370985316.

ClinVar aggregate classification (germline): Uncertain significance (1 of 4 stars; one submission).

Allele frequency attached by ClinVar (database versions not stated): gnomAD exomes 0.00001; TOPMed 0.00001; gnomAD 0.00002.
gnomAD v4.1: 7 of 1,613,904 alleles (0.00043%); highest among the groups gnomAD compares: East Asian, 0.0022%; no homozygotes.

Submission:

Labcorp Genetics (formerly Invitae), Labcorp
Classification: Uncertain significance. Last evaluated: 2024-11-23. Review status: criteria provided, single submitter. Criteria: Invitae Variant Classification Sherloc (09022015). Collection method: clinical testing. Allele origin: germline.
Comment: This sequence change replaces histidine, which is basic and polar, with asparagine, which is neutral and polar, at codon 1752 of the RP1 protein (p.His1752Asn). This variant is not present in population databases (gnomAD no frequency). This variant has not been reported in the literature in individuals affected with RP1-related conditions. ClinVar contains an entry for this variant (Variation ID: 1510927). An algorithm developed to predict the effect of missense changes on protein structure and function (PolyPhen-2) suggests that this variant is likely to be disruptive. In summary, the available evidence is currently insufficient to determine the role of this variant in disease. Therefore, it has been classified as a Variant of Uncertain Significance.